The following is an entry in ClinVar:

ClinVar aggregate classification (germline): Uncertain significance (1 of 4 stars; one submission).

Conditions:
Atrioventricular septal defect 4 (AVSD4). Identifiers: MedGen C3280781, MONDO:0013747, OMIM 614430.

Submission:

Labcorp Genetics (formerly Invitae), Labcorp
Classification: Uncertain significance for Atrioventricular septal defect 4. Last evaluated: 2019-11-21. Review status: criteria provided, single submitter. Criteria: Invitae Variant Classification Sherloc (09022015). Collection method: clinical testing. Allele origin: germline.
Comment: This variant, c.529_537del, results in the deletion of 3 amino acid(s) of the GATA4 protein (p.Ala177_Ala179del), but otherwise preserves the integrity of the reading frame. The frequency data for this variant in the population databases is considered unreliable, as metrics indicate insufficient coverage at this position in the ExAC database. This variant has not been reported in the literature in individuals with GATA4-related conditions. Experimental studies and prediction algorithms are not available or were not evaluated, and the functional significance of this variant is currently unknown. In summary, the available evidence is currently insufficient to determine the role of this variant in disease. Therefore, it has been classified as a Variant of Uncertain Significance.

NM_001308093.3(GATA4):c.526GCC[1] (p.Ala177_Ala179del)

Gene: GATA4 (GATA binding protein 4). Cytogenetic location: 8p23.1.
Variant type: Microsatellite.
Coding change: c.526GCC[1] on transcript NM_001308093.3 (MANE Select); one copy of the 3-base unit GCC starting at c.526.
Protein change: p.Ala177_Ala179del.
Molecular consequence: inframe deletion. On other transcripts: intron variant (3).
Genome position: GRCh38 VCF-style: chr8-11708837-AGCCGCCGCC-A. GRCh37 (hg19) VCF-style: chr8-11566346-AGCCGCCGCC-A.
Other names: c.526GCC[1], p.Ala177_Ala179del (NM_002052.5); c.-6+8063_-6+8071del (NM_001308094.2); c.-3+827_-3+835del (NM_001374274.1); c.-3+4537_-3+4545del (NM_001374273.1).
Identifiers: ClinVar variation 837988 (VCV000837988.1), dbSNP rs766802125, ClinGen allele CA916082975.
Genomic context (GRCh38, chr8:11,708,837, plus strand): 5'-GGGCTCCTACTCCAGCCCCTACCCGGCTTACATGGCCGACGTGGGCGCGTCCTGGGCCGC[AGCCGCCGCC>A]GCCTCCGCCGGCCCCTTCGACAGCCCGGTCCTGCACAGCCTGCCCGGCCGGGCCAACCCG-3'